The following is an entry in ClinVar:

NM_134261.3(RORA):c.651C>T (p.Ala217=)

Genes: RORA (RAR related orphan receptor A; minus strand), RORA-AS1 (RORA antisense RNA 1; plus strand). Cytogenetic location: 15q22.2.
Variant type: single nucleotide variant.
Coding change: c.651C>T on transcript NM_134261.3 (MANE Select); coding-DNA position 651, C replaced by T.
Protein change: p.Ala217=; no amino-acid change (alanine 217 retained).
Molecular consequence: synonymous variant.
Genome position (GRCh38, 1-based): chr15:60,511,395, G>A on the plus strand (C>T on the coding strand, the complement: RORA is on the minus strand). VCF-style: chr15-60511395-G-A. GRCh37 (hg19) VCF-style: chr15-60803594-G-A.
Other names: c.726C>T, p.Ala242= (NM_002943.4); c.750C>T, p.Ala250= (NM_134260.3); c.486C>T, p.Ala162= (NM_134262.3).
Identifiers: ClinVar variation 2645390 (VCV002645390.25), dbSNP rs144636056, ClinGen allele CA7593666.

ClinVar aggregate classification (germline): Likely benign. Review status: criteria provided, multiple submitters, no conflicts (2 of 4 stars). 2 submissions from 2 submitters: Likely benign (2). Last evaluated 2025-07-01.

Allele frequency attached by ClinVar (database versions not stated): gnomAD 0.00044; TOPMed 0.00045; ExAC 0.00067; gnomAD exomes 0.00074; ESP Exome Variant Server 0.00085.
gnomAD v4.1: 1,131 of 1,614,024 alleles (0.07%); highest among the groups gnomAD compares: Non-Finnish European, 0.09%; no homozygotes.

Submissions (2):

CeGaT Center for Human Genetics Tuebingen
Classification: Likely benign. Last evaluated: 2025-07-01. Review status: criteria provided, single submitter. Criteria: CeGaT Center For Human Genetics Tuebingen Variant Classification Criteria Version 2. Collection method: clinical testing. Allele origin: germline. Affected: yes. Observed: 2 variant alleles.
Comment: RORA: BP4, BP7

Blueprint Genetics
Classification: Likely benign. Last evaluated: 2024-09-09. Review status: criteria provided, single submitter. Criteria: ACMG Guidelines, 2015. Collection method: clinical testing. Allele origin: germline.